The following is an entry in ClinVar:

NM_003059.3(SLC22A4):c.456C>T (p.Gly152=)

Genes: SLC22A4 (solute carrier family 22 member 4; plus strand), MIR3936HG (MIR3936 host gene; minus strand). Cytogenetic location: 5q31.1.
Variant type: single nucleotide variant.
Coding change: c.456C>T on transcript NM_003059.3 (MANE Select); coding-DNA position 456, C replaced by T.
Protein change: p.Gly152=; no amino-acid change (glycine 152 retained).
Molecular consequence: synonymous variant. On other transcripts: non-coding transcript variant (1).
Genome position (GRCh38, 1-based): chr5:132,312,223, C>T. VCF-style: chr5-132312223-C-T. GRCh37 (hg19) VCF-style: chr5-131647916-C-T.
Other names: c.456C>T (NM_003059.2).
Identifiers: ClinVar variation 1426958 (VCV001426958.10), dbSNP rs201822770, ClinGen allele CA3403400.

ClinVar aggregate classification (germline): Likely benign. Review status: criteria provided, single submitter (1 of 4 stars). 2 submissions from 2 submitters: Likely benign (1). 1 of the submissions does not count toward it. Last evaluated 2024-07-31.

Conditions:
SLC22A4-related disorder. Also called: SLC22A4-related condition.

Allele frequency attached by ClinVar (database versions not stated): gnomAD 0.00003; gnomAD exomes 0.00004; TOPMed 0.00006; ESP Exome Variant Server 0.00008; 1000 Genomes Project 30x 0.00016.
gnomAD v4.1: 69 of 1,613,790 alleles (0.0043%); highest among the groups gnomAD compares: Middle Eastern, 0.033%; no homozygotes.

Submissions (2):

Labcorp Genetics (formerly Invitae), Labcorp
Classification: Likely benign. Last evaluated: 2024-07-31. Review status: criteria provided, single submitter. Criteria: Invitae Variant Classification Sherloc (09022015). Collection method: clinical testing. Allele origin: germline.

PreventionGenetics, part of Exact Sciences
Classification: Likely benign for SLC22A4-related condition. Last evaluated: 2023-02-14. Review status: no assertion criteria provided. Collection method: clinical testing. Allele origin: germline. Not counted in ClinVar's aggregate classification.
Comment: This variant is classified as likely benign based on ACMG/AMP sequence variant interpretation guidelines (Richards et al. 2015 PMID: 25741868, with internal and published modifications).